The following is an entry in ClinVar:

ClinVar aggregate classification (germline): Uncertain significance (1 of 4 stars; one submission).

gnomAD v4.1: 6 of 1,614,090 alleles (0.00037%); highest among the groups gnomAD compares: Non-Finnish European, 0.00051%; no homozygotes.

Submission:

Labcorp Genetics (formerly Invitae), Labcorp
Classification: Uncertain significance. Last evaluated: 2021-08-30. Review status: criteria provided, single submitter. Criteria: Invitae Variant Classification Sherloc (09022015). Collection method: clinical testing. Allele origin: germline.
Comment: This sequence change replaces arginine with serine at codon 410 of the FAM161A protein (p.Arg410Ser). The arginine residue is moderately conserved and there is a moderate physicochemical difference between arginine and serine. This variant is present in population databases (rs772828768, ExAC 0.001%). This variant has not been reported in the literature in individuals affected with FAM161A-related conditions. Algorithms developed to predict the effect of missense changes on protein structure and function are either unavailable or do not agree on the potential impact of this missense change (SIFT: "Deleterious"; PolyPhen-2: "Benign"; Align-GVGD: "Class C35"). In summary, the available evidence is currently insufficient to determine the role of this variant in disease. Therefore, it has been classified as a Variant of Uncertain Significance.

NM_001201543.2(FAM161A):c.1230G>C (p.Arg410Ser)

Gene: FAM161A (FAM161 centrosomal protein A; minus strand). Cytogenetic location: 2p15.
Variant type: single nucleotide variant.
Coding change: c.1230G>C on transcript NM_001201543.2 (MANE Select); coding-DNA position 1230, G replaced by C.
Protein change: p.Arg410Ser; replaces arginine 410 with serine.
Molecular consequence: missense variant. On other transcripts: non-coding transcript variant (1).
Genome position (GRCh38, 1-based): chr2:61,839,774, C>G on the plus strand (G>C on the coding strand, the complement: FAM161A is on the minus strand). VCF-style: chr2-61839774-C-G. GRCh37 (hg19) VCF-style: chr2-62066909-C-G.
Other names: c.1230G>C, p.Arg410Ser (NM_032180.3); short protein forms R410S.
Identifiers: ClinVar variation 1922936 (VCV001922936.2), dbSNP rs772828768, ClinGen allele CA1679186.